The following is an entry in ClinVar:

ClinVar aggregate classification (germline): Uncertain significance. Review status: criteria provided, multiple submitters, no conflicts (2 of 4 stars). 2 submissions from 2 submitters: Uncertain significance (2). Last evaluated 2026-05-10.

Conditions:
NRP1-related disorder. Also called: NRP1-related condition.

gnomAD v4.1: 1 of 1,613,446 alleles (0.000062%); highest among the groups gnomAD compares: Admixed American, 0.0017%; no homozygotes.

Submissions (2):

PreventionGenetics, part of Exact Sciences
Classification: Uncertain significance for NRP1-related condition. Last evaluated: 2026-05-10. Review status: criteria provided, single submitter. Criteria: ACMG Guidelines, 2015. Collection method: clinical testing. Allele origin: germline.
Comment: The NRP1 c.209A>G variant is predicted to result in the amino acid substitution p.Asn70Ser. To our knowledge, this variant has not been reported in the literature or in a large population database (gnomAD), indicating this variant is rare. At this time, the clinical significance of this variant is uncertain due to the absence of conclusive functional and genetic evidence.

Ambry Genetics
Classification: Uncertain significance. Last evaluated: 2025-07-16. Review status: criteria provided, single submitter. Criteria: Ambry Variant Classification Scheme 2023. Collection method: clinical testing. Allele origin: germline.

NM_003873.7(NRP1):c.209A>G (p.Asn70Ser)

Gene: NRP1 (neuropilin 1; minus strand). Cytogenetic location: 10p11.22.
Variant type: single nucleotide variant.
Coding change: c.209A>G on transcript NM_003873.7 (MANE Select); coding-DNA position 209, A replaced by G.
Protein change: p.Asn70Ser; replaces asparagine 70 with serine.
Molecular consequence: missense variant. On other transcripts: non-coding transcript variant (1).
Genome position (GRCh38, 1-based): chr10:33,330,747, T>C on the plus strand (A>G on the coding strand, the complement: NRP1 is on the minus strand). VCF-style: chr10-33330747-T-C. GRCh37 (hg19) VCF-style: chr10-33619675-T-C.
Other names: c.209A>G, p.Asn70Ser (NM_001024628.3, NM_001024629.3, NM_001244972.2 and 2 more transcripts); short protein forms N70S.
Identifiers: ClinVar variation 4122856 (VCV004122856.2).